The following is an entry in ClinVar:

ClinVar aggregate classification (germline): Uncertain significance. Review status: criteria provided, multiple submitters, no conflicts (2 of 4 stars). 2 submissions from 2 submitters: Uncertain significance (2). Last evaluated 2025-11-08.

Conditions:
Inborn genetic diseases. Identifiers: MedGen C0950123, MeSH D030342.
Mitochondrial trifunctional protein deficiency. Identifiers: Orphanet 746, MedGen C1969443, MONDO:0012172.
Long chain 3-hydroxyacyl-CoA dehydrogenase deficiency. Also called: Deficiency of long-chain 3-hydroxyacyl-coenzyme A dehydrogenase; LCHAD Deficiency. Identifiers: Orphanet 5, MedGen C3711645, MONDO:0012173, OMIM 609016.

Allele frequency attached by ClinVar (database versions not stated): gnomAD exomes 0.00001 and 0.00002.
gnomAD v4.1: 18 of 1,612,786 alleles (0.0011%); highest among the groups gnomAD compares: Middle Eastern, 0.016%; no homozygotes.

Submissions (2):

Ambry Genetics
Classification: Uncertain significance for Inborn genetic diseases. Last evaluated: 2025-11-08. Review status: criteria provided, single submitter. Criteria: Ambry Variant Classification Scheme 2023. Collection method: clinical testing. Allele origin: germline.

Labcorp Genetics (formerly Invitae), Labcorp
Classification: Uncertain significance for Mitochondrial trifunctional protein deficiency; Long chain 3-hydroxyacyl-CoA dehydrogenase deficiency. Last evaluated: 2022-05-12. Review status: criteria provided, single submitter. Criteria: Invitae Variant Classification Sherloc (09022015). Collection method: clinical testing. Allele origin: germline.
Comment: This sequence change replaces valine, which is neutral and non-polar, with methionine, which is neutral and non-polar, at codon 503 of the HADHA protein (p.Val503Met). This variant is present in population databases (rs138386385, gnomAD 0.007%). This variant has not been reported in the literature in individuals affected with HADHA-related conditions. Advanced modeling of protein sequence and biophysical properties (such as structural, functional, and spatial information, amino acid conservation, physicochemical variation, residue mobility, and thermodynamic stability) performed at Invitae indicates that this missense variant is expected to disrupt HADHA protein function. In summary, the available evidence is currently insufficient to determine the role of this variant in disease. Therefore, it has been classified as a Variant of Uncertain Significance.

NM_000182.5(HADHA):c.1507G>A (p.Val503Met)

Genes: GAREM2 (GRB2 associated regulator of MAPK1 subtype 2; plus strand), HADHA (hydroxyacyl-CoA dehydrogenase trifunctional multienzyme complex subunit alpha; minus strand). Cytogenetic location: 2p23.3.
Variant type: single nucleotide variant.
Coding change: c.1507G>A on transcript NM_000182.5 (MANE Select); coding-DNA position 1507, G replaced by A.
Protein change: p.Val503Met; replaces valine 503 with methionine.
Molecular consequence: missense variant.
Genome position (GRCh38, 1-based): chr2:26,195,205, C>T on the plus strand (G>A on the coding strand, the complement: HADHA is on the minus strand). VCF-style: chr2-26195205-C-T. GRCh37 (hg19) VCF-style: chr2-26418074-C-T.
Other names: c.1507G>A (NM_000182.4); short protein forms V503M.
Identifiers: ClinVar variation 1379365 (VCV001379365.6), dbSNP rs138386385, ClinGen allele CA1559548.
Genomic context (GRCh38, chr2:26,195,205, plus strand): 5'-CACTGGTGTCTTTGGAAGTTTTCTCGGTCGTGATAATCTCCAGCAGCTGCATCTTGTCCA[C>T]GGGAGAGAAGTAGTGCATGCCAATCACCTGGCAAGGGGAACCAAAAGCCAACAGATCGGA-3'
Protein context (NP_000173.2, residues 493-513): KVIGMHYFSP[Val503Met]DKMQLLEIIT